The following continues an entry in ClinVar:

NM_024675.4(PALB2):c.3113G>A (p.Trp1038Ter)

Gene: PALB2. ClinVar aggregate classification (germline): Pathogenic. Pathogenic (1).

Submissions 41 to 43 of 43:

Pathway Genomics
Classification: Pathogenic for Breast carcinoma. Last evaluated: 2014-11-06. Review status: no assertion criteria provided. Collection method: clinical testing. Allele origin: germline. Not counted in ClinVar's aggregate classification.

OMIM
Classification: risk factor for BREAST-OVARIAN CANCER, FAMILIAL, SUSCEPTIBILITY TO, 5. Last evaluated: 2013-02-28. Review status: no assertion criteria provided. Collection method: literature only. Allele origin: germline. Not counted in ClinVar's aggregate classification.

Dr. Peter K. Rogan Lab, Western University
No classification provided (evidence only). Condition: Gastric cancer. Review status: no classification provided. Collection method: in vitro. Allele origin: not applicable. Functional consequence: retained intron. Not counted in ClinVar's aggregate classification.

Literature cited by the submitters: PubMed 17200668 (cited by 11 submitters); PubMed 21182766 (cited by 10 submitters); PubMed 21285249 (cited by 15 submitters); PubMed 23471749 (cited by 11 submitters); PubMed 31757951 (cited by 5 submitters); PubMed 27595995 (cited by 6 submitters); PubMed 21409391 (cited by 7 submitters); PubMed 23448497 (cited by 12 submitters); PubMed 25099575 (cited by 5 submitters); PubMed 25225577 (cited by 5 submitters); PubMed 25356972 (cited by 4 submitters); PubMed 25575445 (cited by 4 submitters); PubMed 26283626 (cited by 5 submitters); PubMed 28864920 (cited by 3 submitters); PubMed 29431189 (cited by 3 submitters); PubMed 31843900 (cited by 3 submitters); PubMed 40967221 (cited by Otogenetics); PubMed 22241545 (cited by 3 submitters); PubMed 26315354 (cited by 3 submitters); PubMed 26534844 (cited by 4 submitters); PubMed 33471991 (cited by Color Diagnostics, LLC DBA Color Health and Quest Diagnostics Nichols Institute San Juan Capistrano); PubMed 26681312 (cited by Mayo Clinic Laboratories, Mayo Clinic and AiLife Diagnostics); PubMed 28158555 (cited by Mayo Clinic Laboratories, Mayo Clinic and AiLife Diagnostics); PubMed 28779002 (cited by Mayo Clinic Laboratories, Mayo Clinic and AiLife Diagnostics); PubMed 30322717 (cited by Mayo Clinic Laboratories, Mayo Clinic and AiLife Diagnostics); PubMed 33758026 (cited by Quest Diagnostics Nichols Institute San Juan Capistrano); PubMed 32853339 (cited by Quest Diagnostics Nichols Institute San Juan Capistrano and AiLife Diagnostics); PubMed 35441217 (cited by Quest Diagnostics Nichols Institute San Juan Capistrano); PubMed 27433846 (cited by Quest Diagnostics Nichols Institute San Juan Capistrano and AiLife Diagnostics); PubMed 30665703 (cited by Quest Diagnostics Nichols Institute San Juan Capistrano and AiLife Diagnostics); PubMed 19264984 (cited by Quest Diagnostics Nichols Institute San Juan Capistrano and Leiden Open Variation Database); PubMed 24206657 (cited by 3 submitters); PubMed 32081490 (cited by AiLife Diagnostics); PubMed 29625052 (cited by AiLife Diagnostics); PubMed 26689913 (cited by AiLife Diagnostics); PubMed 32832836 (cited by AiLife Diagnostics); PubMed 32338768 (cited by AiLife Diagnostics); PubMed 31090900 (cited by AiLife Diagnostics); PubMed 31263054 (cited by AiLife Diagnostics); PubMed 32426482 (cited by AiLife Diagnostics); PubMed 32581362 (cited by AiLife Diagnostics); PubMed 29909963 (cited by AiLife Diagnostics); PubMed 25525159 (cited by AiLife Diagnostics); PubMed 29961768 (cited by AiLife Diagnostics); PubMed 31447099 (cited by AiLife Diagnostics); PubMed 18302019 (cited by Leiden Open Variation Database); PubMed 23787919 (cited by Leiden Open Variation Database); PubMed 24415441 (cited by Leiden Open Variation Database and Counsyl); PubMed 31841383 (cited by OMIM).